The following is an entry in ClinVar:

NM_000288.4(PEX7):c.467G>A (p.Ser156Asn)

Gene: PEX7 (peroxisomal biogenesis factor 7; plus strand). Cytogenetic location: 6q23.3.
Variant type: single nucleotide variant.
Coding change: c.467G>A on transcript NM_000288.4 (MANE Select); coding-DNA position 467, G replaced by A.
Protein change: p.Ser156Asn; replaces serine 156 with asparagine.
Molecular consequence: missense variant.
Genome position (GRCh38, 1-based): chr6:136,846,122, G>A. VCF-style: chr6-136846122-G-A. GRCh37 (hg19) VCF-style: chr6-137167260-G-A.
Other names: c.467G>A (NM_000288.3); short protein forms S156N.
Identifiers: ClinVar variation 1060335 (VCV001060335.8), dbSNP rs1554331549, ClinGen allele CA4017624.
Genomic context (GRCh38, chr6:136,846,122, plus strand): 5'-TTTATTTGTAGTGGGATCCAACTGTTGGAAAGTCTCTGTGCACCTTTAGAGGCCATGAAA[G>A]TATTATTTATAGCACAATCTGGTCTCCCCACATCCCTGGTTGTTTTGCTTCAGCCTCAGG-3'
Protein context (NP_000279.1, residues 146-166): KSLCTFRGHE[Ser156Asn]IIYSTIWSPH

ClinVar aggregate classification (germline): Uncertain significance. Review status: criteria provided, multiple submitters, no conflicts (2 of 4 stars). 4 submissions from 4 submitters: Uncertain significance (3). 1 of the submissions does not count toward it. Last evaluated 2025-01-10.

Conditions:
PEX7-related disorder. Also called: PEX7-related disorders; PEX7-related condition. Identifiers: MedGen CN239409.
Rhizomelic chondrodysplasia punctata (RCDP). Identifiers: Orphanet 177, MedGen C0282529, MONDO:0015776. Disease mechanism: loss of function.
Inborn genetic diseases. Identifiers: MedGen C0950123, MeSH D030342.
Peroxisome biogenesis disorder 9B. Also called: PEX7-Related Refsum Disease; PEROXISOME BIOGENESIS DISORDER, PEX7-RELATED, ATYPICAL; Refsum disease, adult, 2. Identifiers: Orphanet 773, MedGen C2749346, MONDO:0013945, OMIM 614879.

Allele frequency attached by ClinVar (database versions not stated): gnomAD exomes 0.00004 and 0.00002; ExAC 0.00003.
gnomAD v4.1: 24 of 1,613,722 alleles (0.0015%); highest among the groups gnomAD compares: South Asian, 0.024%; no homozygotes.

Submissions (4):

Ambry Genetics
Classification: Uncertain significance for Inborn genetic diseases. Last evaluated: 2025-01-10. Review status: criteria provided, single submitter. Criteria: Ambry Variant Classification Scheme 2023. Collection method: clinical testing. Allele origin: germline.
Comment: The p.S156N variant (also known as c.467G>A), located in coding exon 5 of the PEX7 gene, results from a G to A substitution at nucleotide position 467. The serine at codon 156 is replaced by asparagine, an amino acid with highly similar properties. This amino acid position is conserved. In addition, this alteration is predicted to be tolerated by in silico analysis. Based on the available evidence, the clinical significance of this variant remains unclear.

PreventionGenetics, part of Exact Sciences
Classification: Uncertain significance for PEX7-related condition. Last evaluated: 2023-08-30. Review status: criteria provided, single submitter. Criteria: ACMG Guidelines, 2015. Collection method: clinical testing. Allele origin: germline.
Comment: The PEX7 c.467G>A variant is predicted to result in the amino acid substitution p.Ser156Asn. To our knowledge, this variant has not been reported in the literature. This variant is reported in 0.029% of alleles in individuals of South Asian descent in gnomAD. At this time, the clinical significance of this variant is uncertain due to the absence of conclusive functional and genetic evidence.

Labcorp Genetics (formerly Invitae), Labcorp
Classification: Uncertain significance for Peroxisome biogenesis disorder 9B. Last evaluated: 2021-08-20. Review status: criteria provided, single submitter. Criteria: Invitae Variant Classification Sherloc (09022015). Collection method: clinical testing. Allele origin: germline.
Comment: This sequence change replaces serine with asparagine at codon 156 of the PEX7 protein (p.Ser156Asn). The serine residue is moderately conserved and there is a small physicochemical difference between serine and asparagine. This variant is present in population databases (no rsID available, ExAC 0.01%). This variant has not been reported in the literature in individuals affected with PEX7-related conditions. Algorithms developed to predict the effect of missense changes on protein structure and function output the following: SIFT: "Tolerated"; PolyPhen-2: "Benign"; Align-GVGD: "Class C0". The asparagine amino acid residue is found in multiple mammalian species, which suggests that this missense change does not adversely affect protein function. In summary, the available evidence is currently insufficient to determine the role of this variant in disease. Therefore, it has been classified as a Variant of Uncertain Significance.

Natera, Inc.
Classification: Uncertain significance for Rhizomelic Chondrodysplasia Punctata. Last evaluated: 2020-10-15. Review status: no assertion criteria provided. Collection method: clinical testing. Allele origin: germline. Not counted in ClinVar's aggregate classification.